The following is an entry in ClinVar:

NM_001130987.2(DYSF):c.4434_4435insTTTTTTTTNNNNNNNNNNTTTAGCCGGGATGGTCTCGATCTCCTGACCTCGTGATCCGCCCGCCTCGGCCTCCCAAAGTGCTGGGATTACAGGCGTGAGCCACCGCGCCCGGCCAACTCATCGACATT (p.Asp1479delinsPhePheXaaXaaXaaXaaPheSerArgAspGlyLeuAspLeuLeuThrSerTer)

Gene: DYSF (dysferlin; plus strand). Cytogenetic location: 2p13.2.
Variant type: Insertion.
Coding change: c.4434_4435insTTTTTTTTNNNNNNNNNNTTTAGCCGGGATGGTCTCGATCTCCTGACCTCGTGATCCGCCCGCCTCGGCCTCCCAAAGTGCTGGGATTACAGGCGTGAGCCACCGCGCCCGGCCAACTCATCGACATT on transcript NM_001130987.2 (MANE Select); coding-DNA positions 4434 to 4435, TTTTTTTTNNNNNNNNNNTTTAGCCGGGATGGTCTCGATCTCCTGACCTCGTGATCCGCCCGCCTCGGCCTCCCAAAGTGCTGGGATTACAGGCGTGAGCCACCGCGCCCGGCCAACTCATCGACATT inserted.
Protein change: p.Asp1479delinsPhePheXaaXaaXaaXaaPheSerArgAspGlyLeuAspLeuLeuThrSerTer.
Molecular consequence: nonsense.
Genome position: GRCh38: chr2:71,613,380-71,613,381. GRCh37 (hg19): chr2:71,840,510-71,840,511.
Other names: c.4383_4384insTTTTTTTTNNNNNNNNNNTTTAGCCGGGATGGTCTCGATCTCCTGACCTCGTGATCCGCCCGCCTCGGCCTCCCAAAGTGCTGGGATTACAGGCGTGAGCCACCGCGCCCGGCCAACTCATCGACATT, p.Asp1462delinsPhePheXaaXaaXaaXaaPheSerArgAspGlyLeuAspLeuLeuThrSerTer (NM_001130455.2, NM_001130983.2); c.4338_4339insTTTTTTTTNNNNNNNNNNTTTAGCCGGGATGGTCTCGATCTCCTGACCTCGTGATCCGCCCGCCTCGGCCTCCCAAAGTGCTGGGATTACAGGCGTGAGCCACCGCGCCCGGCCAACTCATCGACATT, p.Asp1447delinsPhePheXaaXaaXaaXaaPheSerArgAspGlyLeuAspLeuLeuThrSerTer (NM_001130976.2, NM_001130977.2); c.4380_4381insTTTTTTTTNNNNNNNNNNTTTAGCCGGGATGGTCTCGATCTCCTGACCTCGTGATCCGCCCGCCTCGGCCTCCCAAAGTGCTGGGATTACAGGCGTGAGCCACCGCGCCCGGCCAACTCATCGACATT, p.Asp1461delinsPhePheXaaXaaXaaXaaPheSerArgAspGlyLeuAspLeuLeuThrSerTer (NM_001130978.2, NM_003494.4); c.4473_4474insTTTTTTTTNNNNNNNNNNTTTAGCCGGGATGGTCTCGATCTCCTGACCTCGTGATCCGCCCGCCTCGGCCTCCCAAAGTGCTGGGATTACAGGCGTGAGCCACCGCGCCCGGCCAACTCATCGACATT, p.Asp1492delinsPhePheXaaXaaXaaXaaPheSerArgAspGlyLeuAspLeuLeuThrSerTer (NM_001130979.2); c.4431_4432insTTTTTTTTNNNNNNNNNNTTTAGCCGGGATGGTCTCGATCTCCTGACCTCGTGATCCGCCCGCCTCGGCCTCCCAAAGTGCTGGGATTACAGGCGTGAGCCACCGCGCCCGGCCAACTCATCGACATT, p.Asp1478delinsPhePheXaaXaaXaaXaaPheSerArgAspGlyLeuAspLeuLeuThrSerTer (NM_001130980.2, NM_001130981.2); c.4476_4477insTTTTTTTTNNNNNNNNNNTTTAGCCGGGATGGTCTCGATCTCCTGACCTCGTGATCCGCCCGCCTCGGCCTCCCAAAGTGCTGGGATTACAGGCGTGAGCCACCGCGCCCGGCCAACTCATCGACATT, p.Asp1493delinsPhePheXaaXaaXaaXaaPheSerArgAspGlyLeuAspLeuLeuThrSerTer (NM_001130982.2); c.4341_4342insTTTTTTTTNNNNNNNNNNTTTAGCCGGGATGGTCTCGATCTCCTGACCTCGTGATCCGCCCGCCTCGGCCTCCCAAAGTGCTGGGATTACAGGCGTGAGCCACCGCGCCCGGCCAACTCATCGACATT, p.Asp1448delinsPhePheXaaXaaXaaXaaPheSerArgAspGlyLeuAspLeuLeuThrSerTer (NM_001130984.2, NM_001130986.2); c.4434_4435insTTTTTTTTNNNNNNNNNNTTTAGCCGGGATGGTCTCGATCTCCTGACCTCGTGATCCGCCCGCCTCGGCCTCCCAAAGTGCTGGGATTACAGGCGTGAGCCACCGCGCCCGGCCAACTCATCGACATT, p.Asp1479delinsPhePheXaaXaaXaaXaaPheSerArgAspGlyLeuAspLeuLeuThrSerTer (NM_001130985.2).
Identifiers: ClinVar variation 1068645 (VCV001068645.9), dbSNP rs2152878049.

ClinVar aggregate classification (germline): Pathogenic (1 of 4 stars; one submission).

Conditions:
Neuromuscular disease caused by qualitative or quantitative defects of dysferlin. Also called: Qualitative or quantitative defects of dysferlin; Dysferlinopathy. Identifiers: Orphanet 207073, MedGen C2931687, MONDO:0016145.

Submission:

Labcorp Genetics (formerly Invitae), Labcorp
Classification: Pathogenic for Neuromuscular disease caused by qualitative or quantitative defects of dysferlin. Last evaluated: 2024-11-04. Review status: criteria provided, single submitter. Criteria: Invitae Variant Classification Sherloc (09022015). Collection method: clinical testing. Allele origin: germline.
Comment: This sequence change inserts a large fragment of DNA, likely a transposable element, in exon 40 of the DYSF gene (c.4380_4381ins?), causing a frameshift at codon 1461 (p.Asp1461fs). The exact size and sequence of the insertion cannot be determined by the current assay. However, the insertion is expected to result in an absent or disrupted protein product. This variant is not present in population databases (gnomAD no frequency). A similar variant has been observed in individual(s) with limb-girdle muscular dystrophy (internal data). ClinVar contains an entry for this variant (Variation ID: 1068645). Retrotransposon insertions including LINE1 (L1), Alu, and SVA (SINE-VNTR-Alu) have been reported to be disease-causing through disruption of either a coding region or splice site (PMID: 19763152, 20307669, 22406018) and loss-of-function variants in DYSF are known to be pathogenic (PMID: 17698709, 20301480). For these reasons, this variant has been classified as Pathogenic.

Literature cited by the submitters: PubMed 19763152; PubMed 20307669; PubMed 22406018; PubMed 17698709; PubMed 20301480.